The following is an entry in ClinVar:

ClinVar aggregate classification (germline): Benign. Review status: criteria provided, multiple submitters, no conflicts (2 of 4 stars). 2 submissions from 2 submitters: Benign (2). Last evaluated 2025-04-17.

Allele frequency attached by ClinVar (database versions not stated): ExAC 0.00019; gnomAD 0.00038; TOPMed 0.00035; 1000 Genomes Project 30x 0.00141; ESP Exome Variant Server 0.00054; 1000 Genomes Project 0.00140.
gnomAD v4.1: 89 of 1,611,320 alleles (0.0055%); highest among the groups gnomAD compares: African/African-American, 0.11%; no homozygotes.

Submissions (2):

Labcorp Genetics (formerly Invitae), Labcorp
Classification: Benign. Last evaluated: 2025-04-17. Review status: criteria provided, single submitter. Criteria: Invitae Variant Classification Sherloc (09022015). Collection method: clinical testing. Allele origin: germline.

Mayo Clinic Laboratories, Mayo Clinic
Classification: Benign. Last evaluated: 2025-02-18. Review status: criteria provided, single submitter. Criteria: ACMG Guidelines, 2015. Collection method: clinical testing. Allele origin: germline. Observed: 1 variant allele.
Comment: BS1, BS2, BP4, BP7

NM_002608.4(PDGFB):c.251-7C>G

Gene: PDGFB (platelet derived growth factor subunit B; minus strand). Cytogenetic location: 22q13.1.
Variant type: single nucleotide variant.
Coding change: c.251-7C>G on transcript NM_002608.4 (MANE Select); 7 bases into the intron before coding-DNA position 251, C replaced by G.
Molecular consequence: intron variant.
Genome position (GRCh38, 1-based): chr22:39,231,834, G>C on the plus strand (C>G on the coding strand, the complement: PDGFB is on the minus strand). VCF-style: chr22-39231834-G-C. GRCh37 (hg19) VCF-style: chr22-39627839-G-C.
Other names: p.?; c.206-7C>G (NM_033016.3).
Identifiers: ClinVar variation 2883960 (VCV002883960.4), dbSNP rs371010180, ClinGen allele CA10240165.